The following is an entry in ClinVar:

ClinVar aggregate classification (germline): Benign (1 of 4 stars; one submission).

Allele frequency attached by ClinVar (database versions not stated): gnomAD exomes 0.93049 and 0.92635; ExAC 0.89944; TOPMed 0.96678; 1000 Genomes Project 30x 0.90756; gnomAD 0.95850 and 0.96561; 1000 Genomes Project 0.90236.
gnomAD v4.1: 430,064 of 457,282 alleles (94%); highest among the groups gnomAD compares: African/African-American, 98%; 203,198 homozygotes.

Submission:

GeneDx
Classification: Benign. Last evaluated: 2018-06-16. Review status: criteria provided, single submitter. Criteria: GeneDx Variant Classification (06012015). Collection method: clinical testing. Allele origin: germline. Affected: yes.
Comment: This variant is considered likely benign or benign based on one or more of the following criteria: it is a conservative change, it occurs at a poorly conserved position in the protein, it is predicted to be benign by multiple in silico algorithms, and/or has population frequency not consistent with disease.

NM_001382.3(DPAGT1):c.-748T>G

Genes: C2CD2L (C2CD2 like; plus strand), DPAGT1 (dolichyl-phosphate N-acetylglucosaminephosphotransferase 1; minus strand), LOC126861360 (BRD4-independent group 4 enhancer GRCh37_chr11:118972216-118973415; plus strand). Cytogenetic location: 11q23.3.
Variant type: single nucleotide variant.
Coding change: c.-748T>G on transcript NM_001382.3; 748 bases upstream of the start codon, T replaced by G.
Genome position (GRCh38, 1-based): chr11:119,102,403, A>C on the plus strand (T>G on the coding strand, the complement: DPAGT1 is on the minus strand). VCF-style: chr11-119102403-A-C. GRCh37 (hg19) VCF-style: chr11-118973113-A-C.
Identifiers: ClinVar variation 680554 (VCV000680554.3), dbSNP rs3825059, ClinGen allele CA6314769.